The following is an entry in ClinVar:

ClinVar aggregate classification (germline): Uncertain significance (1 of 4 stars; one submission).

Conditions:
Hereditary cancer-predisposing syndrome. Also called: Neoplastic Syndromes, Hereditary; Tumor predisposition; Hereditary Cancer Syndrome; Hereditary neoplastic syndrome. Identifiers: Orphanet 140162, MedGen C0027672, MeSH D009386, MONDO:0015356.

Submission:

Ambry Genetics
Classification: Uncertain significance for Hereditary cancer-predisposing syndrome. Last evaluated: 2025-09-23. Review status: criteria provided, single submitter. Criteria: Ambry Variant Classification Scheme 2023. Collection method: clinical testing. Allele origin: germline.
Comment: The p.E71D variant (also known as c.213A>T), located in coding exon 3 of the ATM gene, results from an A to T substitution at nucleotide position 213. The glutamic acid at codon 71 is replaced by aspartic acid, an amino acid with highly similar properties. In an assay testing ATM function, this variant showed a functionally normal result (Lee KS et al. Cell, 2025 Sep;188:5081-5099.e27). This amino acid position is highly conserved in available vertebrate species. In addition, this alteration is predicted to be deleterious by in silico analysis. Based on the available evidence, the clinical significance of this variant remains unclear.

Literature cited by the submitters: PubMed 40580951.

NM_000051.4(ATM):c.213A>T (p.Glu71Asp)

Gene: ATM (ATM serine/threonine kinase; plus strand). Cytogenetic location: 11q22.3.
Variant type: single nucleotide variant.
Coding change: c.213A>T on transcript NM_000051.4 (MANE Select); coding-DNA position 213, A replaced by T.
Protein change: p.Glu71Asp; replaces glutamic acid 71 with aspartic acid.
Molecular consequence: missense variant.
Genome position (GRCh38, 1-based): chr11:108,229,205, A>T. VCF-style: chr11-108229205-A-T. GRCh37 (hg19) VCF-style: chr11-108099932-A-T.
Other names: c.213A>T, p.Glu71Asp (NM_001351834.2, NM_001351835.2, NM_001351836.2); short protein forms E71D.
Identifiers: ClinVar variation 4617104 (VCV004617104.1).